The following is an entry in ClinVar:

NM_002693.3(POLG):c.126GCA[3] (p.Gln48_Gln55del)

Genes: POLG (DNA polymerase gamma, catalytic subunit; minus strand), POLGARF (POLG alternative reading frame; minus strand). Cytogenetic location: 15q26.1.
Variant type: Microsatellite.
Coding change: c.126GCA[3] on transcript NM_002693.3 (MANE Select); three copies in a row of the 3-base unit GCA starting at c.126; the reference has 11 copies in a row; eight copies, 24 bases deleted.
Protein change: p.Gln48_Gln55del.
Molecular consequence: inframe deletion.
Genome position (GRCh38, 1-based): chr15:89,333,597-89,333,620, TGCTGCTGCTGCTGCTGCTGCTGC deleted on the plus strand (GCAGCAGCAGCAGCAGCAGCAGCA on the coding strand, the reverse complement: POLG is on the minus strand); deleting any 24 consecutive bases within chr15:89,333,597-89,333,629 gives the same sequence; the position shown is the placement nearest the transcript's 3' end. VCF-style (leftmost placement, unchanged base first): chr15-89333596-TTGCTGCTGCTGCTGCTGCTGCTGC-T. GRCh37 (hg19) VCF-style: chr15-89876827-TTGCTGCTGCTGCTGCTGCTGCTGC-T.
Other names: c.126GCA[3], p.Gln48_Gln55del (NM_001126131.2).
Identifiers: ClinVar variation 1176638 (VCV001176638.41), dbSNP rs41550117, ClinGen allele CA972594248.

ClinVar aggregate classification (germline): Uncertain significance. Review status: criteria provided, multiple submitters, no conflicts (2 of 4 stars). 2 submissions from 2 submitters: Uncertain significance (2). Last evaluated 2025-10-13.

Conditions:
Progressive sclerosing poliodystrophy (MTDPS4A). Also called: Alpers-Huttenlocher Syndrome (AHS); ALPERS DIFFUSE DEGENERATION OF CEREBRAL GRAY MATTER WITH HEPATIC CIRRHOSIS; Alpers-Huttenlocher Syndrome; Mitochondrial DNA depletion syndrome 4A (Alpers type); ALPERS PROGRESSIVE INFANTILE POLIODYSTROPHY; NEURONAL DEGENERATION OF CHILDHOOD WITH LIVER DISEASE, PROGRESSIVE. Identifiers: Orphanet 726, MedGen C0205710, MONDO:0008758, OMIM 203700.

Submissions (2):

Labcorp Genetics (formerly Invitae), Labcorp
Classification: Uncertain significance for Progressive sclerosing poliodystrophy. Last evaluated: 2025-10-13. Review status: criteria provided, single submitter. Criteria: Invitae Variant Classification Sherloc (09022015). Collection method: clinical testing. Allele origin: germline.
Comment: This variant, c.135_158del, results in the deletion of 8 amino acid(s) of the POLG protein (p.Gln48_Gln55del), but otherwise preserves the integrity of the reading frame. This variant is not present in population databases (gnomAD no frequency). This variant has not been reported in the literature in individuals affected with POLG-related conditions. Experimental studies and prediction algorithms are not available or were not evaluated, and the functional significance of this variant is currently unknown. In summary, the available evidence is currently insufficient to determine the role of this variant in disease. Therefore, it has been classified as a Variant of Uncertain Significance.

CeGaT Center for Human Genetics Tuebingen
Classification: Uncertain significance. Last evaluated: 2021-04-01. Review status: criteria provided, single submitter. Criteria: CeGaT Center For Human Genetics Tuebingen Variant Classification Criteria Version 2. Collection method: clinical testing. Allele origin: germline. Affected: yes. Observed: 1 variant allele.